The following is an entry in ClinVar:

ClinVar aggregate classification (germline): Uncertain significance (1 of 4 stars; one submission).

Conditions:
Hypertrophic cardiomyopathy. Also called: HYPERTROPHIC MYOCARDIOPATHY. Identifiers: Orphanet 217569, MedGen C0007194, MeSH D002312, MONDO:0005045, HP:0001639.

Submission:

Labcorp Genetics (formerly Invitae), Labcorp
Classification: Uncertain significance for Hypertrophic cardiomyopathy. Last evaluated: 2025-02-16. Review status: criteria provided, single submitter. Criteria: Invitae Variant Classification Sherloc (09022015). Collection method: clinical testing. Allele origin: germline.
Comment: This variant, c.209_211del, results in the deletion of 1 amino acid(s) of the MYL3 protein (p.Lys70del), but otherwise preserves the integrity of the reading frame. This variant is present in population databases (rs768447523, gnomAD 0.0009%). This variant has not been reported in the literature in individuals affected with MYL3-related conditions. Experimental studies and prediction algorithms are not available or were not evaluated, and the functional significance of this variant is currently unknown. In summary, the available evidence is currently insufficient to determine the role of this variant in disease. Therefore, it has been classified as a Variant of Uncertain Significance.

NM_000258.3(MYL3):c.209_211del (p.Lys70del)

Gene: MYL3 (myosin light chain 3; minus strand). Cytogenetic location: 3p21.31.
Variant type: Deletion.
Coding change: c.209_211del on transcript NM_000258.3 (MANE Select); coding-DNA positions 209 to 211, 3 bases deleted (AGA; older notation c.209_211delAGA).
Protein change: p.Lys70del; deletes lysine 70.
Molecular consequence: inframe deletion.
Genome position (GRCh38, 1-based): chr3:46,860,772-46,860,774, TCT deleted on the plus strand (AGA on the coding strand, the reverse complement: MYL3 is on the minus strand); deleting any 3 consecutive bases within chr3:46,860,772-46,860,776 gives the same sequence; the c. name uses the placement nearest the transcript's 3' end. VCF-style (leftmost placement, unchanged base first): chr3-46860771-ATCT-A. GRCh37 (hg19) VCF-style: chr3-46902261-ATCT-A.
Other names: c.209_211del, p.Lys70del (NM_001406937.1, NM_001406938.1, NM_001406939.1); c.35_37del, p.Lys12del (NM_001406940.1, NM_001406941.1); short protein forms K70del, K12del.
Identifiers: ClinVar variation 4754061 (VCV004754061.1).
Genomic context (GRCh38, chr3:46,860,771, plus strand): 5'-TCTGCCTGTGTGGGGTTCTGGCCCAGCGCCCGCAGGACATCCCCACACTGCCCGTAGGTG[ATCT>A]TCATCTCACACTTGGGTGTGCGGTCGAACAGCATGAAGGCTTCCTTGAACTCTGCCAGGA-3'